The following is an entry in ClinVar:

ClinVar aggregate classification (germline): Uncertain significance (1 of 4 stars; one submission).

Submission:

GeneDx
Classification: Uncertain significance. Last evaluated: 2026-02-09. Review status: criteria provided, single submitter. Criteria: GeneDx Variant Classification Process June 2021. Collection method: clinical testing. Allele origin: germline.
Comment: In-frame deletion of 2 amino acids in a non-repeat region; Has not been previously published as pathogenic or benign to our knowledge

NM_001039591.3(USP9X):c.6450_6455del (p.2150LS[1])

Gene: USP9X (ubiquitin specific peptidase 9 X-linked; plus strand). Cytogenetic location: Xp11.4.
Variant type: Deletion.
Coding change: c.6450_6455del on transcript NM_001039591.3 (MANE Select); coding-DNA positions 6450 to 6455, 6 bases deleted (AAGCTT; older notation c.6450_6455delAAGCTT).
Protein change: p.2150LS[1].
Molecular consequence: inframe deletion.
Genome position (GRCh38, 1-based): chrX:41,219,116-41,219,121, AAGCTT deleted; deleting any 6 consecutive bases within chrX:41,219,113-41,219,121 gives the same sequence; the c. name uses the placement nearest the transcript's 3' end. VCF-style (leftmost placement, unchanged base first): chrX-41219112-ACTTAAG-A. GRCh37 (hg19) VCF-style: chrX-41078365-ACTTAAG-A.
Other names: c.6450_6455del, p.2150LS[1] (NM_001039590.3); c.6465_6470del, p.2155LS[1] (NM_001410748.1, NM_001410749.1, NM_001437534.1).
Identifiers: ClinVar variation 4976478 (VCV004976478.1).